The following is an entry in ClinVar:

NM_053025.4(MYLK):c.1310-1G>A

Gene: MYLK (myosin light chain kinase; minus strand). Cytogenetic location: 3q21.1.
Variant type: single nucleotide variant.
Coding change: c.1310-1G>A on transcript NM_053025.4 (MANE Select); the canonical splice acceptor site of the intron before coding-DNA position 1310, G replaced by A.
Molecular consequence: splice acceptor variant. On other transcripts: intron variant (2).
Genome position (GRCh38, 1-based): chr3:123,733,103, C>T on the plus strand (G>A on the coding strand, the complement: MYLK is on the minus strand). VCF-style: chr3-123733103-C-T. GRCh37 (hg19) VCF-style: chr3-123451950-C-T.
Other names: c.782-1G>A (NM_001321309.2); c.1309+584G>A (NM_053028.4, NM_053026.4); c.1310-1G>A (NM_053027.4, NM_053025.3).
Identifiers: ClinVar variation 1504616 (VCV001504616.11), dbSNP rs1453215880, ClinGen allele CA354238553.
Genomic context (GRCh38, chr3:123,733,103, plus strand): 5'-GTCTCCTCACGGGGGTGCCTTCCAGGAACCAGGCCACTTCAGGCTTTGGAATCCCGGAAA[C>T]TACAGGGCCAGGTAAAGAACGTGAGCTCCCTATGCCCTGGAGAGCACCCTGTGATTGTGA-3'

ClinVar aggregate classification (germline): Uncertain significance. Review status: criteria provided, multiple submitters, no conflicts (2 of 4 stars). 3 submissions from 3 submitters: Uncertain significance (3). Last evaluated 2026-08-19.

Conditions:
Familial thoracic aortic aneurysm and aortic dissection (TAAD). Also called: Thoracic aortic aneurysms and dissections. Identifiers: Orphanet 91387, MedGen C4707243, MONDO:0019625.
Aortic aneurysm, familial thoracic 7 (AAT7). Also called: AORTIC DISSECTION, FAMILIAL, WITH OR WITHOUT AORTIC ANEURYSM. Identifiers: MedGen C3151077, MONDO:0013418, OMIM 613780.

Allele frequency attached by ClinVar (database versions not stated): gnomAD exomes below 0.00001.
gnomAD v4.1: 1 of 1,613,572 alleles (0.000062%); highest among the groups gnomAD compares: Non-Finnish European, 0.000085%; no homozygotes.

Submissions (3):

Ambry Genetics
Classification: Uncertain significance for Familial thoracic aortic aneurysm and aortic dissection. Last evaluated: 2026-08-19. Review status: criteria provided, single submitter. Criteria: Ambry Variant Classification Scheme 2023. Collection method: clinical testing. Allele origin: germline.
Comment: The c.1310-1G>A intronic variant results from a G to A substitution one nucleotide upstream from coding exon 8 of the MYLK gene. This nucleotide position is highly conserved in available vertebrate species. In silico splice site analysis predicts that this alteration will weaken the native splice acceptor site and may result in the creation or strengthening of a novel splice acceptor site. This variant is expected to result in loss of function due to an abnormal transcript, a translational frameshift leading to premature truncation, or nonsense-mediated mRNA decay. However, this alteration impacts only the long, nonmuscle MYLK isoform. While loss of function alterations that impact both the long and short MYLK isoforms have been reported in many patients with thoracic aortic aneurysms and dissections (TAAD), similar data is lacking for alterations that affect only the long isoform (Wallace SE et al. Genet Med 2019 01;21(1):144-151; Ambry internal data). Since supporting evidence is limited at this time, the clinical significance of this alteration remains unclear.

Labcorp Genetics (formerly Invitae), Labcorp
Classification: Uncertain significance for Aortic aneurysm, familial thoracic 7. Last evaluated: 2025-07-20. Review status: criteria provided, single submitter. Criteria: Invitae Variant Classification Sherloc (09022015). Collection method: clinical testing. Allele origin: germline.
Comment: This sequence change affects an acceptor splice site in intron 10 of the MYLK gene. This variant occurs in the long isoform of MYLK (PMID: 21055718). The current clinical and genetic evidence is not sufficient to establish whether loss-of-function variants in the long isoform of MYLK cause disease. This variant is present in population databases (no rsID available, gnomAD 0.0009%). This variant has not been reported in the literature in individuals affected with MYLK-related conditions. ClinVar contains an entry for this variant (Variation ID: 1504616). Algorithms developed to predict the effect of sequence changes on RNA splicing suggest that this variant may disrupt the consensus splice site. In summary, the available evidence is currently insufficient to determine the role of this variant in disease. Therefore, it has been classified as a Variant of Uncertain Significance.

Blueprint Genetics
Classification: Uncertain significance. Last evaluated: 2024-02-16. Review status: criteria provided, single submitter. Criteria: ACMG Guidelines, 2015. Collection method: clinical testing. Allele origin: germline.

Literature cited by the submitters: PubMed 21055718 (cited by Labcorp Genetics (formerly Invitae), Labcorp).